The following is an entry in ClinVar:

ClinVar aggregate classification (germline): Benign (1 of 4 stars; one submission).

Conditions:
Leigh syndrome (NULS). Also called: Leigh's necrotizing encephalopathy; Leigh's disease; Leigh Syndrome (mtDNA deletion); Leigh Disease; Subacute necrotizing encephalopathy; Necrotizing encephalopathy infantile subacute of Leigh. Identifiers: Orphanet 506, MedGen C2931891, MONDO:0009723, OMIM 256000.

Submission:

Wong Mito Lab, Molecular and Human Genetics, Baylor College of Medicine
Classification: Benign for Leigh syndrome. Last evaluated: 2019-10-17. Review status: criteria provided, single submitter. Criteria: Modified ACMG Guidelines (Unpublished). Collection method: clinical testing. Allele origin: germline.
Comment: The NC_012920.1:m.13327A>G (YP_003024036.1:p.Thr331Ala) variant in MTND5 gene is interpretated to be a Benign variant based on the modified ACMG guidelines (unpublished). This variant meets the following evidence codes: BS1, BS4

NC_012920.1(MT-ND5):m.13327A>G

Gene: MT-ND5 (mitochondrially encoded NADH dehydrogenase 5; plus strand).
Variant type: single nucleotide variant.
Genome position: chrM-13327-A-G.
Identifiers: ClinVar variation 693544 (VCV000693544.1), dbSNP rs1556424263, ClinGen allele CA414817485.